The following is an entry in ClinVar:

NM_130810.4(DNAAF4):c.523del (p.Ile175fs)

Genes: DNAAF4 (dynein axonemal assembly factor 4; minus strand), DNAAF4-CCPG1 (DNAAF4-CCPG1 readthrough (NMD candidate); minus strand). Cytogenetic location: 15q21.3.
Variant type: Deletion.
Coding change: c.523del on transcript NM_130810.4 (MANE Select); coding-DNA position 523, one base deleted (A; older notation c.523delA).
Protein change: p.Ile175fs; shifts the reading frame from isoleucine 175.
Molecular consequence: frameshift variant. On other transcripts: non-coding transcript variant (1).
Genome position (GRCh38, 1-based): chr15:55,467,044, T deleted on the plus strand (A on the coding strand, the reverse complement: DNAAF4 is on the minus strand); the first of 9 consecutive T bases (chr15:55,467,044-55,467,052); deleting any one gives the same sequence. VCF-style (leftmost placement, unchanged base first): chr15-55467043-AT-A. GRCh37 (hg19) VCF-style: chr15-55759241-AT-A.
Other names: c.523del, p.Ile175fs (NM_001033559.3, NM_001033560.2); short protein forms I175fs.
Identifiers: ClinVar variation 505757 (VCV000505757.15), dbSNP rs751610886, ClinGen allele CA7575018.

ClinVar aggregate classification (germline): Pathogenic/Likely pathogenic. Review status: criteria provided, multiple submitters, no conflicts (2 of 4 stars). 4 submissions from 4 submitters: Pathogenic (2); Likely pathogenic (2). Last evaluated 2024-02-01.

Conditions:
Primary ciliary dyskinesia 25 (CILD25). Also called: CILIARY DYSKINESIA, PRIMARY, 25, WITH OR WITHOUT SITUS INVERSUS. Identifiers: Orphanet 244, MedGen C3809641, MONDO:0014203, OMIM 615482.
Primary ciliary dyskinesia. Also called: Ciliary dyskinesia. Identifiers: Orphanet 244, MedGen C0008780, MONDO:0016575, HP:0012265.
Dyslexia, susceptibility to, 1. Also called: READING DISABILITY, SPECIFIC, 1; WORD-BLINDNESS, CONGENITAL. Identifiers: MedGen C1851967, MONDO:0007487, OMIM 127700.

Submissions (4):

Neuberg Centre For Genomic Medicine, NCGM
Classification: Pathogenic for Primary ciliary dyskinesia 25. Last evaluated: 2024-02-01. Review status: criteria provided, single submitter. Criteria: ACMG Guidelines, 2015. Collection method: clinical testing. Allele origin: germline. Inheritance: Autosomal recessive inheritance.
Comment: This sequence change deletes 1 nucleotide from exon 5 of the DYX1C1 mRNA (c.523delA), causing a frameshift at codon 175. This creates a premature translational stop signal (p.Ile175Phefs*21) and is expected to result in an absent or disrupted protein product. While this particular variant has not been reported in the literature, truncating variants in DYX1C1 are known to be pathogenic (PMID: 23872636). For these reasons, this variant has been classified as Pathogenic. In the absence of another reportable variant, the molecular diagnosis is not confirmed.

Fulgent Genetics
Classification: Likely pathogenic for Dyslexia, susceptibility to, 1; Primary ciliary dyskinesia 25. Last evaluated: 2022-04-29. Review status: criteria provided, single submitter. Criteria: ACMG Guidelines, 2015. Collection method: clinical testing. Allele origin: unknown.

Laboratory for Molecular Medicine, Mass General Brigham Personalized Medicine
Classification: Likely pathogenic for Primary ciliary dyskinesia. Last evaluated: 2017-05-01. Review status: criteria provided, single submitter. Criteria: LMM Criteria. Collection method: clinical testing. Allele origin: germline. Inheritance: Autosomal recessive inheritance. Observed: 1 variant allele.
Comment: The p.Ile175PhefsX21 (NM_130810.3 c.523delA) variant in DNAAF4 has not been prev iously reported in individuals with primary ciliary dyskinesia. This variant has been identified in 0.26% (50/19436) of Latino chromosomes by the Genome Aggrega tion Database (gnomAD; dbSNP rs778891601). Alt hough this variant has been seen in the general population, its frequency is low enough to be consistent with a recessive carrier frequency. This variant is pre dicted to cause a frameshift, which alters the protein?s amino acid sequence beg inning at position 175 and leads to a premature termination codon 21 amino acids downstream. This alteration is then predicted to lead to a truncated or absent protein. Biallelic loss of function of the DNAAF4 gene has been associated with primary ciliary dyskinesia. In summary, although additional studies are required to fully establish a null effect on the protein, the p.Ile175PhefsX21 variant i n DNAAF4 gene is likely pathogenic for primary ciliary dyskinesia in an autosoma l recessive manner based on a predicted null effect.

Labcorp Genetics (formerly Invitae), Labcorp
Classification: Pathogenic. Last evaluated: 2016-03-13. Review status: criteria provided, single submitter. Criteria: Invitae Variant Classification Sherloc (09022015). Collection method: clinical testing. Allele origin: germline.
Comment: For these reasons, this variant has been classified as Pathogenic. While this particular variant has not been reported in the literature, truncating variants in DYX1C1 are known to be pathogenic (PMID: 23872636). This sequence change deletes 1 nucleotide from exon 5 of the DYX1C1 mRNA (c.523delA), causing a frameshift at codon 175. This creates a premature translational stop signal (p.Ile175Phefs*21) and is expected to result in an absent or disrupted protein product.

Literature cited by the submitters: PubMed 23872636 (cited by Labcorp Genetics (formerly Invitae), Labcorp).